The following is an entry in ClinVar:

NM_001276345.2(TNNT2):c.53-12del

Gene: TNNT2 (troponin T2, cardiac type; minus strand). Cytogenetic location: 1q32.1.
Variant type: Deletion.
Coding change: c.53-12del on transcript NM_001276345.2 (MANE Select); 12 bases into the intron before coding-DNA position 53, one base deleted (T; older notation c.53-12delT).
Molecular consequence: intron variant.
Genome position (GRCh38, 1-based): chr1:201,372,053, A deleted on the plus strand (T on the coding strand, the reverse complement: TNNT2 is on the minus strand). VCF-style (leftmost placement, unchanged base first): chr1-201372052-GA-G. GRCh37 (hg19) VCF-style: chr1-201341180-GA-G.
Other names: c.52+92del (NM_001001432.3); c.53-12del (NM_001001431.3, NM_001001430.3, NM_001276346.2 and 2 more transcripts).
Identifiers: ClinVar variation 181608 (VCV000181608.1), dbSNP rs730881094, ClinGen allele CA297404.

ClinVar aggregate classification (germline): Benign (1 of 4 stars; one submission).

Conditions:
Cardiomyopathy (CMYO). Also called: Cardiomyopathies. Identifiers: Orphanet 167848, MedGen C0878544, MONDO:0004994, HP:0001638. Inheritance: Various modes of inheritance.

Submission:

GeneDx
Classification: Benign for Cardiomyopathy. Last evaluated: 2012-04-11. Review status: criteria provided, single submitter. Criteria: GeneDx Variant Classification (06012015). Collection method: clinical testing. Allele origin: germline. Affected: yes.
Comment: The variant is found in DCM panel(s).